The following is an entry in ClinVar:

ClinVar aggregate classification (germline): Uncertain significance (1 of 4 stars; one submission).

Submission:

Labcorp Genetics (formerly Invitae), Labcorp
Classification: Uncertain significance. Last evaluated: 2024-10-24. Review status: criteria provided, single submitter. Criteria: Invitae Variant Classification Sherloc (09022015). Collection method: clinical testing. Allele origin: germline.
Comment: This sequence change falls in intron 3 of the NLRP1 gene. It does not directly change the encoded amino acid sequence of the NLRP1 protein. It affects a nucleotide within the consensus splice site. This variant is not present in population databases (gnomAD no frequency). This variant has not been reported in the literature in individuals affected with NLRP1-related conditions. Variants that disrupt the consensus splice site are a relatively common cause of aberrant splicing (PMID: 17576681, 9536098). Algorithms developed to predict the effect of sequence changes on RNA splicing suggest that this variant is not likely to affect RNA splicing. In summary, the available evidence is currently insufficient to determine the role of this variant in disease. Therefore, it has been classified as a Variant of Uncertain Significance.

Literature cited by the submitters: PubMed 17576681; PubMed 9536098.

NM_033004.4(NLRP1):c.652+6A>T

Gene: NLRP1 (NLR family pyrin domain containing 1; minus strand). Cytogenetic location: 17p13.2.
Variant type: single nucleotide variant.
Coding change: c.652+6A>T on transcript NM_033004.4 (MANE Select); 6 bases into the intron after coding-DNA position 652, A replaced by T.
Molecular consequence: intron variant.
Genome position (GRCh38, 1-based): chr17:5,581,853, T>A on the plus strand (A>T on the coding strand, the complement: NLRP1 is on the minus strand). VCF-style: chr17-5581853-T-A. GRCh37 (hg19) VCF-style: chr17-5485173-T-A.
Other names: c.652+6A>T (NM_001033053.3, NM_033007.4, NM_033006.4 and 1 more transcripts).
Identifiers: ClinVar variation 3722447 (VCV003722447.2).